The following is an entry in ClinVar:

NM_006231.4(POLE):c.6526T>C (p.Ser2176Pro)

Gene: POLE (DNA polymerase epsilon, catalytic subunit; minus strand). Cytogenetic location: 12q24.33.
Variant type: single nucleotide variant.
Coding change: c.6526T>C on transcript NM_006231.4 (MANE Select); coding-DNA position 6526, T replaced by C.
Protein change: p.Ser2176Pro; replaces serine 2176 with proline.
Molecular consequence: missense variant.
Genome position (GRCh38, 1-based): chr12:132,626,122, A>G on the plus strand (T>C on the coding strand, the complement: POLE is on the minus strand). VCF-style: chr12-132626122-A-G. GRCh37 (hg19) VCF-style: chr12-133202708-A-G.
Other names: c.6526T>C (NM_006231.2); short protein forms S2176P.
Identifiers: ClinVar variation 2818793 (VCV002818793.4), dbSNP rs2541840803, ClinGen allele CA387367093.

ClinVar aggregate classification (germline): Uncertain significance. Review status: criteria provided, multiple submitters, no conflicts (2 of 4 stars). 2 submissions from 2 submitters: Uncertain significance (2). Last evaluated 2025-11-30.

Conditions:
Hereditary cancer-predisposing syndrome. Also called: Neoplastic Syndromes, Hereditary; Tumor predisposition; Hereditary Cancer Syndrome; Hereditary neoplastic syndrome. Identifiers: Orphanet 140162, MedGen C0027672, MeSH D009386, MONDO:0015356.

Allele frequency attached by ClinVar (database versions not stated): gnomAD exomes 0.00001.
gnomAD v4.1: 3 of 1,597,734 alleles (0.00019%); highest among the groups gnomAD compares: East Asian, 0.0023%; no homozygotes.

Submissions (2):

Ambry Genetics
Classification: Uncertain significance for Hereditary cancer-predisposing syndrome. Last evaluated: 2025-11-30. Review status: criteria provided, single submitter. Criteria: Ambry Variant Classification Scheme 2023. Collection method: clinical testing. Allele origin: germline.
Comment: The p.S2176P variant (also known as c.6526T>C), located in coding exon 46 of the POLE gene, results from a T to C substitution at nucleotide position 6526. The serine at codon 2176 is replaced by proline, an amino acid with similar properties. This amino acid position is conserved. In addition, this alteration is predicted to be tolerated by in silico analysis. Based on the available evidence, the clinical significance of this variant remains unclear.

Labcorp Genetics (formerly Invitae), Labcorp
Classification: Uncertain significance. Last evaluated: 2023-06-17. Review status: criteria provided, single submitter. Criteria: Invitae Variant Classification Sherloc (09022015). Collection method: clinical testing. Allele origin: germline.
Comment: In summary, the available evidence is currently insufficient to determine the role of this variant in disease. Therefore, it has been classified as a Variant of Uncertain Significance. Advanced modeling of protein sequence and biophysical properties (such as structural, functional, and spatial information, amino acid conservation, physicochemical variation, residue mobility, and thermodynamic stability) performed at Invitae indicates that this missense variant is not expected to disrupt POLE protein function. This variant has not been reported in the literature in individuals affected with POLE-related conditions. This variant is not present in population databases (gnomAD no frequency). This sequence change replaces serine, which is neutral and polar, with proline, which is neutral and non-polar, at codon 2176 of the POLE protein (p.Ser2176Pro).